The following is an entry in ClinVar:

ClinVar aggregate classification (germline): Conflicting classifications of pathogenicity. Review status: criteria provided, conflicting classifications (1 of 4 stars). 6 submissions from 6 submitters: Uncertain significance (2); Benign (1); Likely benign (3). Last evaluated 2026-09-01.

Conditions:
Hermansky-Pudlak syndrome 6 (HPS6). Identifiers: Orphanet 231512, Orphanet 79430, MedGen C3888007, MONDO:0013558, OMIM 614075.
Inborn genetic diseases. Identifiers: MedGen C0950123, MeSH D030342.

Allele frequency attached by ClinVar (database versions not stated): gnomAD 0.00006 and 0.00032; TOPMed 0.00007; gnomAD exomes 0.00050 and 0.00099; ExAC 0.00106; 1000 Genomes Project 30x 0.00141; 1000 Genomes Project 0.00160.
gnomAD v4.1: 788 of 1,613,756 alleles (0.049%); highest among the groups gnomAD compares: South Asian, 0.69%; 9 homozygotes.

Submissions (6):

GeneDx
Classification: Uncertain significance. Last evaluated: 2026-09-01. Review status: criteria provided, single submitter. Criteria: GeneDx Variant Classification Process June 2021. Collection method: clinical testing. Allele origin: germline.
Comment: In silico analysis, which includes protein predictors and evolutionary conservation, supports a deleterious effect; Has not been previously published as pathogenic or benign to our knowledge

Labcorp Genetics (formerly Invitae), Labcorp
Classification: Benign. Last evaluated: 2026-01-28. Review status: criteria provided, single submitter. Criteria: Invitae Variant Classification Sherloc (09022015). Collection method: clinical testing. Allele origin: germline.

Women's Health and Genetics/Laboratory Corporation of America, LabCorp
Classification: Likely benign. Last evaluated: 2025-09-03. Review status: criteria provided, single submitter. Criteria: LabCorp Variant Classification Summary - May 2015. Collection method: clinical testing. Allele origin: germline.
Comment: Variant summary: HPS6 c.2029G>A (p.Glu677Lys) results in a conservative amino acid change in the encoded protein sequence. Algorithms developed to predict the effect of missense changes on protein structure and function are either unavailable or do not agree on the potential impact of this missense change. The variant allele was found at a frequency of 0.00099 in 251002 control chromosomes, predominantly at a frequency of 0.0076 within the South Asian subpopulation in the gnomAD database, including 3 homozygotes. The observed variant frequency within South Asian control individuals in the gnomAD database exceeds the estimated maximal expected allele frequency for disease-causing variants in HPS6. To our knowledge, no occurrence of c.2029G>A in individuals affected with HPS6-related conditions and no experimental evidence demonstrating its impact on protein function have been reported. ClinVar contains an entry for this variant (Variation ID: 877676). Based on the evidence outlined above, the variant was classified as likely benign.

Blueprint Genetics
Classification: Likely benign. Last evaluated: 2024-11-13. Review status: criteria provided, single submitter. Criteria: ACMG Guidelines, 2015. Collection method: clinical testing. Allele origin: germline.

Ambry Genetics
Classification: Uncertain significance for Inborn genetic diseases. Last evaluated: 2021-07-09. Review status: criteria provided, single submitter. Criteria: Ambry Variant Classification Scheme 2023. Collection method: clinical testing. Allele origin: germline.

Illumina Laboratory Services, Illumina
Classification: Likely benign for Hermansky-Pudlak syndrome 6. Last evaluated: 2018-01-12. Review status: criteria provided, single submitter. Criteria: ICSL Variant Classification Criteria 13 December 2019. Collection method: clinical testing. Allele origin: germline.
Comment: This variant was observed in the ICSL laboratory as part of a predisposition screen in an ostensibly healthy population. It had not been previously curated by ICSL or reported in the Human Gene Mutation Database (HGMD: prior to June 1st, 2018), and was therefore a candidate for classification through an automated scoring system. Utilizing variant allele frequency, disease prevalence and penetrance estimates, and inheritance mode, an automated score was calculated to assess if this variant is too frequent to cause the disease. Based on the score and internal cut-off values, a variant classified as likely benign is not then subjected to further curation. The score for this variant resulted in a classification of likely benign for this disease.

NM_024747.6(HPS6):c.2029G>A (p.Glu677Lys)

Gene: HPS6 (HPS6 biogenesis of lysosomal organelles complex 2 subunit 3; plus strand). Cytogenetic location: 10q24.32.
Variant type: single nucleotide variant.
Coding change: c.2029G>A on transcript NM_024747.6 (MANE Select); coding-DNA position 2029, G replaced by A.
Protein change: p.Glu677Lys; replaces glutamic acid 677 with lysine.
Molecular consequence: missense variant.
Genome position (GRCh38, 1-based): chr10:102,067,503, G>A. VCF-style: chr10-102067503-G-A. GRCh37 (hg19) VCF-style: chr10-103827260-G-A.
Other names: short protein forms E677K.
Identifiers: ClinVar variation 877676 (VCV000877676.16), dbSNP rs373272114, ClinGen allele CA5660090.